The following is an entry in ClinVar:

NM_001830.4(CLCN4):c.197A>G (p.Asp66Gly)

Gene: CLCN4 (chloride voltage-gated channel 4; plus strand). Cytogenetic location: Xp22.2.
Variant type: single nucleotide variant.
Coding change: c.197A>G on transcript NM_001830.4 (MANE Select); coding-DNA position 197, A replaced by G.
Protein change: p.Asp66Gly; replaces aspartic acid 66 with glycine.
Molecular consequence: missense variant. On other transcripts: intron variant (1).
Genome position (GRCh38, 1-based): chrX:10,187,567, A>G. VCF-style: chrX-10187567-A-G. GRCh37 (hg19) VCF-style: chrX-10155607-A-G.
Other names: c.-38-7344A>G (NM_001256944.2); short protein forms D66G.
Identifiers: ClinVar variation 3360354 (VCV003360354.1).

ClinVar aggregate classification (germline): Uncertain significance (1 of 4 stars; one submission).

Submission:

GeneDx
Classification: Uncertain significance. Last evaluated: 2023-06-23. Review status: criteria provided, single submitter. Criteria: GeneDx Variant Classification Process June 2021. Collection method: clinical testing. Allele origin: germline. Affected: yes.
Comment: Not observed at significant frequency in large population cohorts (gnomAD); In silico analysis supports that this missense variant has a deleterious effect on protein structure/function; Has not been previously published as pathogenic or benign to our knowledge